The following is an entry in ClinVar:

NM_002769.5(PRSS1):c.310C>A (p.Leu104Met)

Genes: PRSS1 (serine protease 1; plus strand), TRB (T cell receptor beta locus; plus strand). Cytogenetic location: 7q34.
Variant type: single nucleotide variant.
Coding change: c.310C>A on transcript NM_002769.5 (MANE Select); coding-DNA position 310, C replaced by A.
Protein change: p.Leu104Met; replaces leucine 104 with methionine.
Molecular consequence: missense variant. On other transcripts: non-coding transcript variant (4).
Genome position (GRCh38, 1-based): chr7:142,751,883, C>A. VCF-style: chr7-142751883-C-A. GRCh37 (hg19) VCF-style: chr7-142459734-C-A.
Other names: short protein forms L104M.
Identifiers: ClinVar variation 3426302 (VCV003426302.2).

ClinVar aggregate classification (germline): Uncertain significance. Review status: criteria provided, multiple submitters, no conflicts (2 of 4 stars). 2 submissions from 2 submitters: Uncertain significance (2). Last evaluated 2024-07-19.

Conditions:
Hereditary pancreatitis (PCTT). Also called: Hereditary chronic pancreatitis; PRSS1-Related Hereditary Pancreatitis. Identifiers: Orphanet 676, MedGen C0238339, MONDO:0008185, OMIM 167800.

Submissions (2):

Ambry Genetics
Classification: Uncertain significance for Hereditary pancreatitis. Last evaluated: 2024-07-19. Review status: criteria provided, single submitter. Criteria: Ambry Variant Classification Scheme 2023. Collection method: clinical testing. Allele origin: germline.
Comment: The p.L104M variant (also known as c.310C>A), located in coding exon 3 of the PRSS1 gene, results from a C to A substitution at nucleotide position 310. The leucine at codon 104 is replaced by methionine, an amino acid with highly similar properties. This amino acid position is not well conserved in available vertebrate species. In addition, the in silico prediction for this alteration is inconclusive. Based on the available evidence, the clinical significance of this variant remains unclear.

ARUP Laboratories, Molecular Genetics and Genomics, ARUP Laboratories
Classification: Uncertain significance for Hereditary pancreatitis. Last evaluated: 2024-03-29. Review status: criteria provided, single submitter. Criteria: ARUP Molecular Germline Variant Investigation Process 2024. Collection method: clinical testing. Allele origin: germline.
Comment: The PRSS1 c.310C>A; p.Leu104Met variant, to our knowledge, is not reported in the medical literature or gene specific databases. This variant is also absent from the Genome Aggregation Database (v2.1.1), indicating it is not a common polymorphism. Additionally, other variants at this codon (c.311T>C, p.Leu104Pro) have been reported in individuals with idiopathic chronic pancreatitis and are considered disease causing (Chang 2009, Sofia 2016). Computational analyses are uncertain whether this variant is neutral or deleterious (REVEL: 0.443). Due to limited information, the clinical significance of this variant is uncertain at this time. References: Chang Y et al. Association and differential role of PRSS1 and SPINK1 mutation in early-onset and late-onset idiopathic chronic pancreatitis in Chinese subjects. Gut. 2009; 58(6):885. PMID: 19433603. Sofia V et al. Extensive molecular analysis suggested the strong genetic heterogeneity of idiopathic chronic pancreatitis. Mol Med. 2016; 22. PMID: 27264265.